The following is an entry in ClinVar:

NM_004369.4(COL6A3):c.414C>T (p.Ala138=)

Gene: COL6A3 (collagen type VI alpha 3 chain; minus strand). Cytogenetic location: 2q37.3.
Variant type: single nucleotide variant.
Coding change: c.414C>T on transcript NM_004369.4 (MANE Select); coding-DNA position 414, C replaced by T.
Protein change: p.Ala138=; no amino-acid change (alanine 138 retained).
Molecular consequence: synonymous variant. On other transcripts: intron variant (4).
Genome position (GRCh38, 1-based): chr2:237,394,882, G>A on the plus strand (C>T on the coding strand, the complement: COL6A3 is on the minus strand). VCF-style: chr2-237394882-G-A. GRCh37 (hg19) VCF-style: chr2-238303525-G-A.
Other names: c.91+1845C>T (NM_057166.5, NM_057167.4, NM_057164.5 and 1 more transcripts).
Identifiers: ClinVar variation 335146 (VCV000335146.18), dbSNP rs148996231, ClinGen allele CA2189874.
Genomic context (GRCh38, chr2:237,394,882, plus strand): 5'-AAGGCCATCCTTCGAGTGTCCATCAGTTAACACTACGATAACCTGAGGGACTCCGTCACC[G>A]GCCCGGCTTCCAGCAGCCTTGGTGAGGTGGCTTTGCATTATGTATTCTAATCCTTTTCCA-3'
Protein context (NP_004360.2, residues 128-148): SHLTKAAGSR[Ala138=]GDGVPQVIVV

ClinVar aggregate classification (germline): Conflicting classifications of pathogenicity. Review status: criteria provided, conflicting classifications (1 of 4 stars). 4 submissions from 4 submitters: Uncertain significance (1); Benign (2); Likely benign (1). Last evaluated 2025-11-19.

Conditions:
Bethlem myopathy 1A. Also called: MYOPATHY, BENIGN CONGENITAL, WITH CONTRACTURES; Bethlem myopathy 1; Bethlem Muscular Dystrophy. Identifiers: Orphanet 610, MedGen CN029274, MONDO:0024530, OMIM 158810.
Collagen 6-related myopathy. Identifiers: MedGen CN117976, MONDO:0100225.

Allele frequency attached by ClinVar (database versions not stated): ExAC 0.00017; 1000 Genomes Project 0.00020; ESP Exome Variant Server 0.00023; gnomAD 0.00009 and 0.00011; gnomAD exomes 0.00010 and 0.00015; TOPMed 0.00011; 1000 Genomes Project 30x 0.00016.
gnomAD v4.1: 168 of 1,611,660 alleles (0.01%); highest among the groups gnomAD compares: South Asian, 0.074%; 1 homozygote.

Submissions (4):

Labcorp Genetics (formerly Invitae), Labcorp
Classification: Benign for Bethlem myopathy 1A. Last evaluated: 2025-11-19. Review status: criteria provided, single submitter. Criteria: Invitae Variant Classification Sherloc (09022015). Collection method: clinical testing. Allele origin: germline.

Blueprint Genetics
Classification: Likely benign. Last evaluated: 2024-09-23. Review status: criteria provided, single submitter. Criteria: ACMG Guidelines, 2015. Collection method: clinical testing. Allele origin: germline.

Illumina Laboratory Services, Illumina
Classification: Benign for Collagen VI-related myopathy. Last evaluated: 2018-01-13. Review status: criteria provided, single submitter. Criteria: ICSL Variant Classification Criteria 13 December 2019. Collection method: clinical testing. Allele origin: germline.
Comment: This variant was observed in the ICSL laboratory as part of a predisposition screen in an ostensibly healthy population. It had not been previously curated by ICSL or reported in the Human Gene Mutation Database (HGMD: prior to June 1st, 2018), and was therefore a candidate for classification through an automated scoring system. Utilizing variant allele frequency, disease prevalence and penetrance estimates, and inheritance mode, an automated score was calculated to assess if this variant is too frequent to cause the disease. Based on the score and internal cut-off values, a variant classified as benign is not then subjected to further curation. The score for this variant resulted in a classification of benign for this disease.

Eurofins Ntd Llc (ga)
Classification: Uncertain significance. Last evaluated: 2017-02-01. Review status: criteria provided, single submitter. Criteria: EGL Classification Definitions 2015. Collection method: clinical testing. Allele origin: germline. Observed: 1 variant allele, 1 heterozygote.